The following is an entry in ClinVar:

ClinVar aggregate classification (germline): Uncertain significance. Review status: criteria provided, multiple submitters, no conflicts (2 of 4 stars). 2 submissions from 2 submitters: Uncertain significance (2). Last evaluated 2022-08-01.

Conditions:
Inborn genetic diseases. Identifiers: MedGen C0950123, MeSH D030342.

Allele frequency attached by ClinVar (database versions not stated): gnomAD exomes below 0.00001; TOPMed below 0.00001; gnomAD 0.00001.

Submissions (2):

CeGaT Center for Human Genetics Tuebingen
Classification: Uncertain significance. Last evaluated: 2022-08-01. Review status: criteria provided, single submitter. Criteria: CeGaT Center For Human Genetics Tuebingen Variant Classification Criteria Version 2. Collection method: clinical testing. Allele origin: germline. Affected: yes. Observed: 1 variant allele.
Comment: CYP4F22: PM2, PP4

Ambry Genetics
Classification: Uncertain significance for Inborn genetic diseases. Last evaluated: 2021-09-27. Review status: criteria provided, single submitter. Criteria: Ambry Variant Classification Scheme 2023. Collection method: clinical testing. Allele origin: germline.

NM_173483.4(CYP4F22):c.1295A>G (p.Tyr432Cys)

Gene: CYP4F22 (cytochrome P450 family 4 subfamily F member 22; plus strand). Cytogenetic location: 19p13.12.
Variant type: single nucleotide variant.
Coding change: c.1295A>G on transcript NM_173483.4 (MANE Select); coding-DNA position 1295, A replaced by G.
Protein change: p.Tyr432Cys; replaces tyrosine 432 with cysteine.
Molecular consequence: missense variant.
Genome position (GRCh38, 1-based): chr19:15,549,162, A>G. VCF-style: chr19-15549162-A-G. GRCh37 (hg19) VCF-style: chr19-15659973-A-G.
Other names: c.1295A>G (NM_173483.3); short protein forms Y432C.
Identifiers: ClinVar variation 1711474 (VCV001711474.33), dbSNP rs1430532183, ClinGen allele CA404541785.